The following is an entry in ClinVar:

ClinVar aggregate classification (germline): Uncertain significance. Review status: criteria provided, multiple submitters, no conflicts (2 of 4 stars). 2 submissions from 2 submitters: Uncertain significance (2). Last evaluated 2024-11-14.

Allele frequency attached by ClinVar (database versions not stated): gnomAD 0.00001; gnomAD exomes 0.00001; TOPMed 0.00002.
gnomAD v4.1: 7 of 1,613,918 alleles (0.00043%); highest among the groups gnomAD compares: Admixed American, 0.0083%; no homozygotes.

Submissions (2):

Ambry Genetics
Classification: Uncertain significance. Last evaluated: 2024-11-14. Review status: criteria provided, single submitter. Criteria: Ambry Variant Classification Scheme 2023. Collection method: clinical testing. Allele origin: germline.

Labcorp Genetics (formerly Invitae), Labcorp
Classification: Uncertain significance. Last evaluated: 2022-09-17. Review status: criteria provided, single submitter. Criteria: Invitae Variant Classification Sherloc (09022015). Collection method: clinical testing. Allele origin: germline.
Comment: In summary, the available evidence is currently insufficient to determine the role of this variant in disease. Therefore, it has been classified as a Variant of Uncertain Significance. Algorithms developed to predict the effect of missense changes on protein structure and function output the following: SIFT: "Tolerated"; PolyPhen-2: "Benign"; Align-GVGD: "Class C0". The valine amino acid residue is found in multiple mammalian species, which suggests that this missense change does not adversely affect protein function. This variant has not been reported in the literature in individuals affected with XPO5-related conditions. This variant is present in population databases (no rsID available, gnomAD 0.009%). This sequence change replaces methionine, which is neutral and non-polar, with valine, which is neutral and non-polar, at codon 1008 of the XPO5 protein (p.Met1008Val).

NM_020750.3(XPO5):c.3022A>G (p.Met1008Val)

Genes: POLR1C (RNA polymerase I and III subunit C; plus strand), XPO5 (exportin 5; minus strand). Cytogenetic location: 6p21.1.
Variant type: single nucleotide variant.
Coding change: c.3022A>G on transcript NM_020750.3 (MANE Select); coding-DNA position 3022, A replaced by G.
Protein change: p.Met1008Val; replaces methionine 1008 with valine.
Molecular consequence: missense variant. On other transcripts: non-coding transcript variant (1), intron variant (2).
Genome position (GRCh38, 1-based): chr6:43,525,883, T>C on the plus strand (A>G on the coding strand, the complement: XPO5 is on the minus strand). VCF-style: chr6-43525883-T-C. GRCh37 (hg19) VCF-style: chr6-43493621-T-C.
Other names: c.922+4835T>C (NM_001363658.2); c.923-3366T>C (NM_001318876.2); short protein forms M1008V.
Identifiers: ClinVar variation 1945487 (VCV001945487.5), dbSNP rs1306461803, ClinGen allele CA364289025.